The following is an entry in ClinVar:

NM_001351132.2(PEX5):c.1097C>T (p.Pro366Leu)

Gene: PEX5 (peroxisomal biogenesis factor 5; plus strand). Cytogenetic location: 12p13.31.
Variant type: single nucleotide variant.
Coding change: c.1097C>T on transcript NM_001351132.2 (MANE Select); coding-DNA position 1097, C replaced by T.
Protein change: p.Pro366Leu; replaces proline 366 with leucine.
Molecular consequence: missense variant.
Genome position (GRCh38, 1-based): chr12:7,207,789, C>T. VCF-style: chr12-7207789-C-T. GRCh37 (hg19) VCF-style: chr12-7360385-C-T.
Other names: c.1073C>T, p.Pro358Leu (NM_000319.5); c.1142C>T, p.Pro381Leu (NM_001131023.2); c.986C>T, p.Pro329Leu (NM_001131024.2, NM_001351124.3, NM_001351126.2 and 7 more transcripts); c.1097C>T, p.Pro366Leu (NM_001131025.2, NM_001131026.2, NM_001300789.3 and 4 more transcripts); c.1031C>T, p.Pro344Leu (NM_001351135.3, NM_001351138.2); c.1088C>T, p.Pro363Leu (NM_001351136.2); c.962C>T, p.Pro321Leu (NM_001351139.2, NM_001351140.2, NM_001374649.2); short protein forms P321L, P358L, P363L, P344L, P381L, P329L, P366L.
Identifiers: ClinVar variation 959865 (VCV000959865.5), dbSNP rs764934631, ClinGen allele CA6426355.

ClinVar aggregate classification (germline): Uncertain significance (1 of 4 stars; one submission).

Conditions:
Peroxisome biogenesis disorder 2B (PBD2B). Identifiers: Orphanet 44, MedGen C3550234, MONDO:0008736, OMIM 202370.

Allele frequency attached by ClinVar (database versions not stated): ExAC 0.00001; gnomAD 0.00001; gnomAD exomes 0.00001.
gnomAD v4.1: 26 of 1,614,008 alleles (0.0016%); highest among the groups gnomAD compares: Non-Finnish European, 0.0017%; no homozygotes.

Submission:

Labcorp Genetics (formerly Invitae), Labcorp
Classification: Uncertain significance for Peroxisome biogenesis disorder 2B. Last evaluated: 2022-08-02. Review status: criteria provided, single submitter. Criteria: Invitae Variant Classification Sherloc (09022015). Collection method: clinical testing. Allele origin: germline.
Comment: This sequence change replaces proline, which is neutral and non-polar, with leucine, which is neutral and non-polar, at codon 366 of the PEX5 protein (p.Pro366Leu). The frequency data for this variant in the population databases is considered unreliable, as metrics indicate poor data quality at this position in the gnomAD database. This variant has not been reported in the literature in individuals affected with PEX5-related conditions. ClinVar contains an entry for this variant (Variation ID: 959865). Algorithms developed to predict the effect of missense changes on protein structure and function (SIFT, PolyPhen-2, Align-GVGD) all suggest that this variant is likely to be disruptive. In summary, the available evidence is currently insufficient to determine the role of this variant in disease. Therefore, it has been classified as a Variant of Uncertain Significance.